The following is an entry in ClinVar:

ClinVar aggregate classification (germline): Uncertain significance (1 of 4 stars; one submission).

gnomAD v4.1: 2 of 1,612,840 alleles (0.00012%); highest among the groups gnomAD compares: Non-Finnish European, 0.00017%; no homozygotes.

Submission:

GeneDx
Classification: Uncertain significance. Last evaluated: 2025-06-01. Review status: criteria provided, single submitter. Criteria: GeneDx Variant Classification Process June 2021. Collection method: clinical testing. Allele origin: germline. Affected: yes.
Comment: Not observed at significant frequency in large population cohorts (gnomAD); In silico analysis supports that this missense variant has a deleterious effect on protein structure/function; Has not been previously published as pathogenic or benign to our knowledge

NM_001038.6(SCNN1A):c.1426C>G (p.Arg476Gly)

Gene: SCNN1A (sodium channel epithelial 1 subunit alpha; minus strand). Cytogenetic location: 12p13.31.
Variant type: single nucleotide variant.
Coding change: c.1426C>G on transcript NM_001038.6 (MANE Select); coding-DNA position 1426, C replaced by G.
Protein change: p.Arg476Gly; replaces arginine 476 with glycine.
Molecular consequence: missense variant.
Genome position (GRCh38, 1-based): chr12:6,349,340, G>C on the plus strand (C>G on the coding strand, the complement: SCNN1A is on the minus strand). VCF-style: chr12-6349340-G-C. GRCh37 (hg19) VCF-style: chr12-6458506-G-C.
Other names: c.1495C>G, p.Arg499Gly (NM_001159575.2); c.1603C>G, p.Arg535Gly (NM_001159576.2); short protein forms R476G, R499G, R535G.
Identifiers: ClinVar variation 4532303 (VCV004532303.1).